The following is an entry in ClinVar:

ClinVar aggregate classification (germline): Uncertain significance (1 of 4 stars; one submission).

Submission:

Labcorp Genetics (formerly Invitae), Labcorp
Classification: Uncertain significance. Last evaluated: 2021-09-01. Review status: criteria provided, single submitter. Criteria: Invitae Variant Classification Sherloc (09022015). Collection method: clinical testing. Allele origin: germline.
Comment: This sequence change replaces alanine with threonine at codon 27 of the COL11A2 protein (p.Ala27Thr). The alanine residue is moderately conserved and there is a small physicochemical difference between alanine and threonine. This variant is not present in population databases (ExAC no frequency). This variant has not been reported in the literature in individuals affected with COL11A2-related conditions. Advanced modeling of protein sequence and biophysical properties (such as structural, functional, and spatial information, amino acid conservation, physicochemical variation, residue mobility, and thermodynamic stability) performed at Invitae indicates that this missense variant is not expected to disrupt COL11A2 protein function. In summary, the available evidence is currently insufficient to determine the role of this variant in disease. Therefore, it has been classified as a Variant of Uncertain Significance.

NM_080680.3(COL11A2):c.79G>A (p.Ala27Thr)

Gene: COL11A2 (collagen type XI alpha 2 chain; minus strand). Cytogenetic location: 6p21.32.
Variant type: single nucleotide variant.
Coding change: c.79G>A on transcript NM_080680.3 (MANE Select); coding-DNA position 79, G replaced by A.
Protein change: p.Ala27Thr; replaces alanine 27 with threonine.
Molecular consequence: missense variant.
Genome position (GRCh38, 1-based): chr6:33,192,162, C>T on the plus strand (G>A on the coding strand, the complement: COL11A2 is on the minus strand). VCF-style: chr6-33192162-C-T. GRCh37 (hg19) VCF-style: chr6-33159939-C-T.
Other names: c.79G>A, p.Ala27Thr (NM_001163771.2, NM_080679.3, NM_080681.3); short protein forms A27T.
Identifiers: ClinVar variation 1358383 (VCV001358383.5), dbSNP rs1773197010, ClinGen allele CA363614842.